The following is an entry in ClinVar:

NM_172364.5(CACNA2D4):c.1705G>A (p.Asp569Asn)

Gene: CACNA2D4 (calcium voltage-gated channel auxiliary subunit alpha2delta 4; minus strand). Cytogenetic location: 12p13.33.
Variant type: single nucleotide variant.
Coding change: c.1705G>A on transcript NM_172364.5 (MANE Select); coding-DNA position 1705, G replaced by A.
Protein change: p.Asp569Asn; replaces aspartic acid 569 with asparagine.
Molecular consequence: missense variant.
Genome position (GRCh38, 1-based): chr12:1,878,329, C>T on the plus strand (G>A on the coding strand, the complement: CACNA2D4 is on the minus strand). VCF-style: chr12-1878329-C-T. GRCh37 (hg19) VCF-style: chr12-1987495-C-T.
Other names: short protein forms D569N.
Identifiers: ClinVar variation 1002131 (VCV001002131.10), dbSNP rs770007640, ClinGen allele CA6387030.

ClinVar aggregate classification (germline): Uncertain significance (1 of 4 stars; one submission).

Allele frequency attached by ClinVar (database versions not stated): gnomAD 0.00001; gnomAD exomes 0.00002; ExAC 0.00003.
gnomAD v4.1: 14 of 1,609,422 alleles (0.00087%); highest among the groups gnomAD compares: East Asian, 0.0022%; no homozygotes.

Submission:

Labcorp Genetics (formerly Invitae), Labcorp
Classification: Uncertain significance. Last evaluated: 2025-06-24. Review status: criteria provided, single submitter. Criteria: Invitae Variant Classification Sherloc (09022015). Collection method: clinical testing. Allele origin: germline.
Comment: This sequence change replaces aspartic acid, which is acidic and polar, with asparagine, which is neutral and polar, at codon 569 of the CACNA2D4 protein (p.Asp569Asn). This variant is present in population databases (rs770007640, gnomAD 0.004%). This variant has not been reported in the literature in individuals affected with CACNA2D4-related conditions. ClinVar contains an entry for this variant (Variation ID: 1002131). An algorithm developed to predict the effect of missense changes on protein structure and function (PolyPhen-2) suggests that this variant is likely to be tolerated. In summary, the available evidence is currently insufficient to determine the role of this variant in disease. Therefore, it has been classified as a Variant of Uncertain Significance.